The following is an entry in ClinVar:

NM_024422.6(DSC2):c.*1283A>G

Gene: DSC2 (desmocollin 2; minus strand). Cytogenetic location: 18q12.1.
Variant type: single nucleotide variant.
Coding change: c.*1283A>G on transcript NM_024422.6 (MANE Select); 1283 bases downstream of the stop codon, A replaced by G.
Molecular consequence: 3 prime UTR variant.
Genome position (GRCh38, 1-based): chr18:31,066,732, T>C on the plus strand (A>G on the coding strand, the complement: DSC2 is on the minus strand). VCF-style: chr18-31066732-T-C. GRCh37 (hg19) VCF-style: chr18-28646698-T-C.
Other names: c.*1491A>G (NM_004949.5).
Identifiers: ClinVar variation 891279 (VCV000891279.4), dbSNP rs141273986, ClinGen allele CA297684345.

ClinVar aggregate classification (germline): Likely benign (1 of 4 stars; one submission).

Conditions:
Arrhythmogenic right ventricular dysplasia 11. Also called: ARRHYTHMOGENIC RIGHT VENTRICULAR DYSPLASIA, FAMILIAL, 11; Arrhythmogenic Right Ventricular Dysplasia/Cardiomyopathy11; Arrhythmogenic right ventricular dysplasia 11 with mild palmoplantar keratoderma and woolly hair. Identifiers: MedGen C1864850, MONDO:0012506, OMIM 610476.

Allele frequency attached by ClinVar (database versions not stated): TOPMed 0.00697; 1000 Genomes Project 30x 0.00859; gnomAD 0.00644 and 0.00682; 1000 Genomes Project 0.00759.

Submission:

Illumina Laboratory Services, Illumina
Classification: Likely benign for Arrhythmogenic right ventricular dysplasia 11. Last evaluated: 2018-01-12. Review status: criteria provided, single submitter. Criteria: ICSL Variant Classification Criteria 13 December 2019. Collection method: clinical testing. Allele origin: germline.
Comment: This variant was observed in the ICSL laboratory as part of a predisposition screen in an ostensibly healthy population. It had not been previously curated by ICSL or reported in the Human Gene Mutation Database (HGMD: prior to June 1st, 2018), and was therefore a candidate for classification through an automated scoring system. Utilizing variant allele frequency, disease prevalence and penetrance estimates, and inheritance mode, an automated score was calculated to assess if this variant is too frequent to cause the disease. Based on the score and internal cut-off values, a variant classified as likely benign is not then subjected to further curation. The score for this variant resulted in a classification of likely benign for this disease.